The following is an entry in ClinVar:

ClinVar aggregate classification (germline): Likely benign (1 of 4 stars; one submission).

Conditions:
AKT3-related disorder. Also called: AKT3-related condition.

gnomAD v4.1: 34 of 1,614,068 alleles (0.0021%); highest among the groups gnomAD compares: East Asian, 0.053%; no homozygotes.

Submission:

PreventionGenetics, part of Exact Sciences
Classification: Likely benign for AKT3-related condition. Last evaluated: 2025-06-16. Review status: criteria provided, single submitter. Criteria: ACMG Guidelines, 2015. Collection method: clinical testing. Allele origin: germline.
Comment: This variant is classified as likely benign based on ACMG/AMP sequence variant interpretation guidelines (Richards et al. 2015 PMID: 25741868, with internal and published modifications).

NM_005465.7(AKT3):c.1410A>G (p.Gln470=)

Gene: AKT3 (AKT serine/threonine kinase 3; minus strand). Cytogenetic location: 1q44.
Variant type: single nucleotide variant.
Coding change: c.1410A>G on transcript NM_005465.7 (MANE Select); coding-DNA position 1410, A replaced by G.
Protein change: p.Gln470=; no amino-acid change (glutamine 470 retained).
Molecular consequence: synonymous variant. On other transcripts: intron variant (2).
Genome position (GRCh38, 1-based): chr1:243,505,279, T>C on the plus strand (A>G on the coding strand, the complement: AKT3 is on the minus strand). VCF-style: chr1-243505279-T-C. GRCh37 (hg19) VCF-style: chr1-243668581-T-C.
Other names: c.1410A>G, p.Gln470= (NM_001370074.1); c.1355-5493A>G (NM_181690.2, NM_001206729.2).
Identifiers: ClinVar variation 4987054 (VCV004987054.1).
Genomic context (GRCh38, chr1:243,505,279, plus strand): 5'-ATGACAGTGAAGTAGCAGAATGAAAGAGACTTATTCTCGTCCACTTGCAGAGTAGGAAAA[T>C]TGAGGGAAATGCGGCCGCCTCTCATTGTCCATGCAGTCCATACCATCCTCATCATCTGTG-3'
Protein context (NP_005456.1, residues 460-479): MDNERRPHFP[Gln470=]FSYSASGRE